The following is an entry in ClinVar:

NM_000321.3(RB1):c.1340A>G (p.Lys447Arg)

Gene: RB1 (RB transcriptional corepressor 1; plus strand). Cytogenetic location: 13q14.2.
Variant type: single nucleotide variant.
Coding change: c.1340A>G on transcript NM_000321.3 (MANE Select); coding-DNA position 1340, A replaced by G.
Protein change: p.Lys447Arg; replaces lysine 447 with arginine.
Molecular consequence: missense variant.
Genome position (GRCh38, 1-based): chr13:48,379,601, A>G. VCF-style: chr13-48379601-A-G. GRCh37 (hg19) VCF-style: chr13-48953737-A-G.
Other names: c.1340A>G, p.Lys447Arg (NM_001407165.1, NM_001407166.1); short protein forms K447R.
Identifiers: ClinVar variation 3070969 (VCV003070969.1), dbSNP rs2138140800, ClinGen allele CA388162546.
Genomic context (GRCh38, chr13:48,379,601, plus strand): 5'-ATTGTGATTTTCTAAAATAGCAGGCTCTTATTTTTCTTTTTGTTTGTTTGTAGCGATACA[A>G]ACTTGGAGTTCGCTTGTATTACCGAGTAATGGAATCCATGCTTAAATCAGTAAGTTAAAA-3'
Protein context (NP_000312.2, residues 437-457): GCVEIGSQRY[Lys447Arg]LGVRLYYRVM

ClinVar aggregate classification (germline): Uncertain significance (1 of 4 stars; one submission).

Conditions:
Retinoblastoma (RB1). Also called: RETINOBLASTOMA, SOMATIC. Identifiers: Orphanet 790, MedGen C0035335, MeSH D012175, MONDO:0008380, OMIM 180200, HP:0009919. Disease mechanism: loss of function. Inheritance: Both sporadic and heritable forms are tested..

Allele frequency attached by ClinVar (database versions not stated): gnomAD exomes below 0.00001.
gnomAD v4.1: 1 of 1,612,788 alleles (0.000062%); highest among the groups gnomAD compares: Non-Finnish European, 0.000085%; no homozygotes.

Submission:

All of Us Research Program, National Institutes of Health
Classification: Uncertain significance for Retinoblastoma. Last evaluated: 2023-05-15. Review status: criteria provided, single submitter. Criteria: ACMG Guidelines, 2015. Collection method: clinical testing. Allele origin: germline. Inheritance: Autosomal dominant inheritance. Observed: 1 variant allele, 1 heterozygote.
Comment: This missense variant replaces lysine with arginine at codon 447 of the RB1 protein. Computational prediction suggests that this variant may not impact protein structure and function (internally defined REVEL score threshold <= 0.5, PMID: 27666373). To our knowledge, functional studies have not been reported for this variant. This variant has not been reported in individuals affected with RB1-related disorders in the literature. This variant has not been identified in the general population by the Genome Aggregation Database (gnomAD). The available evidence is insufficient to determine the role of this variant in disease conclusively. Therefore, this variant is classified as a Variant of Uncertain Significance.

This study involves interpretation of variants in research participants for the purpose of population health screening. Participant phenotype was not available at the time of variant classification. Additional details can be found in publication PMID: 35346344, PMCID: PMC8962531